The following is an entry in ClinVar:

ClinVar aggregate classification (germline): Uncertain significance (1 of 4 stars; one submission).

Conditions:
Cardiovascular phenotype. Identifiers: MedGen CN230736.

Submission:

Ambry Genetics
Classification: Uncertain significance for Cardiovascular phenotype. Last evaluated: 2024-07-30. Review status: criteria provided, single submitter. Criteria: Ambry Variant Classification Scheme 2023. Collection method: clinical testing. Allele origin: germline.
Comment: The p.I898F variant (also known as c.2692A>T), located in coding exon 17 of the SOS2 gene, results from an A to T substitution at nucleotide position 2692. The isoleucine at codon 898 is replaced by phenylalanine, an amino acid with highly similar properties. This amino acid position is conserved. In addition, this alteration is predicted to be tolerated by in silico analysis. Based on the available evidence, the clinical significance of this variant remains unclear.

NM_006939.4(SOS2):c.2692A>T (p.Ile898Phe)

Gene: SOS2 (SOS Ras/Rho guanine nucleotide exchange factor 2; minus strand). Cytogenetic location: 14q21.3.
Variant type: single nucleotide variant.
Coding change: c.2692A>T on transcript NM_006939.4 (MANE Select); coding-DNA position 2692, A replaced by T.
Protein change: p.Ile898Phe; replaces isoleucine 898 with phenylalanine.
Molecular consequence: missense variant.
Genome position (GRCh38, 1-based): chr14:50,140,035, T>A on the plus strand (A>T on the coding strand, the complement: SOS2 is on the minus strand). VCF-style: chr14-50140035-T-A. GRCh37 (hg19) VCF-style: chr14-50606753-T-A.
Other names: c.2593A>T, p.Ile865Phe (NM_001411020.1); short protein forms I865F, I898F.
Identifiers: ClinVar variation 3447359 (VCV003447359.1).